The following is an entry in ClinVar:

ClinVar aggregate classification (germline): Benign/Likely benign. Review status: criteria provided, multiple submitters, no conflicts (2 of 4 stars). 13 submissions from 13 submitters: Benign (5); Likely benign (4). 4 of the submissions do not count toward it. Last evaluated 2025-12-31.

Conditions:
Focal segmental glomerulosclerosis 1 (FSGS1). Identifiers: Orphanet 656, MedGen C4551527, MONDO:0011303, OMIM 603278.
Focal segmental glomerulosclerosis (FSGS). Also called: Glomerulosclerosis, focal; Focal sclerosis with hyalinosis. Identifiers: MedGen C0017668, MONDO:0100313, HP:0000097. Disease mechanism: loss of function.

Allele frequency attached by ClinVar (database versions not stated): 1000 Genomes Project 0.00140; 1000 Genomes Project 30x 0.00141; TOPMed 0.00351; gnomAD exomes 0.00365; gnomAD 0.00384 and 0.00403; ExAC 0.00397; ESP Exome Variant Server 0.00400.
gnomAD v4.1: 9,346 of 1,612,964 alleles (0.58%); highest among the groups gnomAD compares: Non-Finnish European, 0.71%; 29 homozygotes.

Submissions (13):

Labcorp Genetics (formerly Invitae), Labcorp
Classification: Benign. Last evaluated: 2025-12-31. Review status: criteria provided, single submitter. Criteria: Invitae Variant Classification Sherloc (09022015). Collection method: clinical testing. Allele origin: germline.

Blueprint Genetics
Classification: Likely benign. Last evaluated: 2024-11-21. Review status: criteria provided, single submitter. Criteria: ACMG Guidelines, 2015. Collection method: clinical testing. Allele origin: germline.

Genome Diagnostics Laboratory, The Hospital for Sick Children
Classification: Likely benign for Focal segmental glomerulosclerosis. Last evaluated: 2022-07-11. Review status: criteria provided, single submitter. Criteria: ACMG Guidelines, 2015. Collection method: clinical testing. Allele origin: germline.

CeGaT Center for Human Genetics Tuebingen
Classification: Benign. Last evaluated: 2022-07-01. Review status: criteria provided, single submitter. Criteria: CeGaT Center For Human Genetics Tuebingen Variant Classification Criteria Version 2. Collection method: clinical testing. Allele origin: germline. Affected: yes. Observed: 1 variant allele.
Comment: ACTN4: BS1, BS2

Genome-Nilou Lab
Classification: Benign for Focal segmental glomerulosclerosis 1. Last evaluated: 2021-12-05. Review status: criteria provided, single submitter. Criteria: ACMG Guidelines, 2015. Collection method: clinical testing. Allele origin: germline. Affected: no.

Athena Diagnostics
Classification: Benign. Last evaluated: 2019-11-14. Review status: criteria provided, single submitter. Criteria: Athena Diagnostics Criteria. Collection method: clinical testing. Allele origin: unknown.

GeneDx
Classification: Likely benign. Last evaluated: 2017-03-09. Review status: criteria provided, single submitter. Criteria: GeneDx Variant Classification (06012015). Collection method: clinical testing. Allele origin: germline. Affected: yes.
Comment: This variant is considered likely benign or benign based on one or more of the following criteria: it is a conservative change, it occurs at a poorly conserved position in the protein, it is predicted to be benign by multiple in silico algorithms, and/or has population frequency not consistent with disease.

Breakthrough Genomics
Classification: Likely benign. Review status: criteria provided, single submitter. Criteria: ACMG Guidelines, 2015. Collection method: not provided. Allele origin: germline. Inheritance: Autosomal dominant inheritance. Affected: yes.

PreventionGenetics, part of Exact Sciences
Classification: Benign. Review status: criteria provided, single submitter. Criteria: ACMG Guidelines, 2015. Collection method: clinical testing. Allele origin: germline.

Clinical Genetics DNA and cytogenetics Diagnostics Lab, Erasmus MC, Erasmus Medical Center
Classification: Likely benign. Review status: no assertion criteria provided. Collection method: clinical testing. Allele origin: germline. Affected: yes. Study: VKGL Data-share Consensus. Not counted in ClinVar's aggregate classification.

Genome Diagnostics Laboratory, University Medical Center Utrecht
Classification: Benign. Review status: no assertion criteria provided. Collection method: clinical testing. Allele origin: germline. Affected: yes. Study: VKGL Data-share Consensus. Not counted in ClinVar's aggregate classification.

Joint Genome Diagnostic Labs from Nijmegen and Maastricht, Radboudumc and MUMC+
Classification: Benign. Review status: no assertion criteria provided. Collection method: clinical testing. Allele origin: germline. Affected: yes. Study: VKGL Data-share Consensus. Not counted in ClinVar's aggregate classification.

Laboratory of Diagnostic Genome Analysis, Leiden University Medical Center (LUMC)
Classification: Likely benign. Review status: no assertion criteria provided. Collection method: clinical testing. Allele origin: germline. Affected: yes. Study: VKGL Data-share Consensus. Not counted in ClinVar's aggregate classification.

Literature cited by the submitters: PubMed 16251236 (cited by Athena Diagnostics); PubMed 19142020 (cited by Athena Diagnostics); PubMed 24130771 (cited by Athena Diagnostics); PubMed 23890478 (cited by Athena Diagnostics).

NM_004924.6(ACTN4):c.2401G>A (p.Val801Met)

Gene: ACTN4 (actinin alpha 4; plus strand). Cytogenetic location: 19q13.2.
Variant type: single nucleotide variant.
Coding change: c.2401G>A on transcript NM_004924.6 (MANE Select); coding-DNA position 2401, G replaced by A.
Protein change: p.Val801Met; replaces valine 801 with methionine.
Molecular consequence: missense variant. On other transcripts: intron variant (1).
Genome position (GRCh38, 1-based): chr19:38,728,009, G>A. VCF-style: chr19-38728009-G-A. GRCh37 (hg19) VCF-style: chr19-39218649-G-A.
Other names: c.2401G>A (NM_004924.5); c.2338-307G>A (NM_001322033.2); short protein forms V801M.
Identifiers: ClinVar variation 259574 (VCV000259574.45), dbSNP rs141727248, ClinGen allele CA9417989.